The following is an entry in ClinVar:

NM_000051.4(ATM):c.2176C>T (p.Leu726Phe)

Gene: ATM (ATM serine/threonine kinase; plus strand). Cytogenetic location: 11q22.3.
Variant type: single nucleotide variant.
Coding change: c.2176C>T on transcript NM_000051.4 (MANE Select); coding-DNA position 2176, C replaced by T.
Protein change: p.Leu726Phe; replaces leucine 726 with phenylalanine.
Molecular consequence: missense variant.
Genome position (GRCh38, 1-based): chr11:108,256,266, C>T. VCF-style: chr11-108256266-C-T. GRCh37 (hg19) VCF-style: chr11-108126993-C-T.
Other names: c.2176C>T, p.Leu726Phe (NM_001351834.2); short protein forms L726F.
Identifiers: ClinVar variation 481144 (VCV000481144.11), dbSNP rs775266056, ClinGen allele CA382538821.
Genomic context (GRCh38, chr11:108,256,266, plus strand): 5'-TACTTTAAGATTACAAATTCAGAAACTCTTGTCCGGTGTTCACGTCTTTTGGTGGGTGTC[C>T]TTGGCTGCTACTGTTACATGGGTGTAATAGCTGAAGAGGAAGCATATAAGTCAGAATTAT-3'
Protein context (NP_000042.3, residues 716-736): VRCSRLLVGV[Leu726Phe]GCYCYMGVIA

ClinVar aggregate classification (germline): Uncertain significance. Review status: criteria provided, multiple submitters, no conflicts (2 of 4 stars). 3 submissions from 3 submitters: Uncertain significance (3). Last evaluated 2025-10-08.

Conditions:
Hereditary cancer-predisposing syndrome. Also called: Hereditary neoplastic syndrome; Neoplastic Syndromes, Hereditary; Tumor predisposition; Hereditary Cancer Syndrome. Identifiers: Orphanet 140162, MedGen C0027672, MeSH D009386, MONDO:0015356.
Ataxia-telangiectasia syndrome (AT). Also called: LOUIS-BAR SYNDROME; Cerebello-oculocutaneous telangiectasia; Immunodeficiency with ataxia telangiectasia; AT, COMPLEMENTATION GROUP C; Ataxia-telangiectasia, complementation group D; ATAXIA-TELANGIECTASIA, COMPLEMENTATION GROUP A. Identifiers: Orphanet 100, MedGen C0004135, MONDO:0008840, OMIM 208900.

Submissions (3):

Labcorp Genetics (formerly Invitae), Labcorp
Classification: Uncertain significance for Ataxia-telangiectasia syndrome. Last evaluated: 2025-10-08. Review status: criteria provided, single submitter. Criteria: Invitae Variant Classification Sherloc (09022015). Collection method: clinical testing. Allele origin: germline.
Comment: This sequence change replaces leucine, which is neutral and non-polar, with phenylalanine, which is neutral and non-polar, at codon 726 of the ATM protein (p.Leu726Phe). This variant is not present in population databases (gnomAD no frequency). This variant has not been reported in the literature in individuals affected with ATM-related conditions. ClinVar contains an entry for this variant (Variation ID: 481144). Invitae Evidence Modeling of protein sequence and biophysical properties (such as structural, functional, and spatial information, amino acid conservation, physicochemical variation, residue mobility, and thermodynamic stability) has been performed for this missense variant. However, the output from this modeling did not meet the statistical confidence thresholds required to predict the impact of this variant on ATM protein function. In summary, the available evidence is currently insufficient to determine the role of this variant in disease. Therefore, it has been classified as a Variant of Uncertain Significance.

Ambry Genetics
Classification: Uncertain significance for Hereditary cancer-predisposing syndrome. Last evaluated: 2025-08-20. Review status: criteria provided, single submitter. Criteria: Ambry Variant Classification Scheme 2023. Collection method: clinical testing. Allele origin: germline.
Comment: The p.L726F variant (also known as c.2176C>T), located in coding exon 13 of the ATM gene, results from a C to T substitution at nucleotide position 2176. The leucine at codon 726 is replaced by phenylalanine, an amino acid with highly similar properties. This amino acid position is highly conserved in available vertebrate species. In addition, the in silico prediction for this alteration is inconclusive. Since supporting evidence is limited at this time, the clinical significance of this alteration remains unclear.

Genetic Services Laboratory, University of Chicago
Classification: Uncertain significance. Last evaluated: 2019-02-18. Review status: criteria provided, single submitter. Criteria: ACMG Guidelines, 2015. Collection method: clinical testing. Allele origin: germline. Affected: no.